The following is an entry in ClinVar:

ClinVar aggregate classification (germline): Uncertain significance. Review status: criteria provided, multiple submitters, no conflicts (2 of 4 stars). 6 submissions from 6 submitters: Uncertain significance (5). 1 of the submissions does not count toward it. Last evaluated 2024-10-24.

Conditions:
Bardet-Biedl syndrome 20. Identifiers: MedGen C4310707, MONDO:0023670, OMIM 619471, MONDO:0014926.
Retinitis pigmentosa 71 (RP71). Identifiers: Orphanet 791, MedGen C4225342, MONDO:0014618, OMIM 616394.
Short-rib thoracic dysplasia 10 with or without polydactyly (SRTD10). Identifiers: Orphanet 474, MedGen C3810175, MONDO:0014284, OMIM 615630.
Inborn genetic diseases. Identifiers: MedGen C0950123, MeSH D030342.
IFT172-related disorder. Also called: IFT172-related disorders; IFT172-related condition.

Allele frequency attached by ClinVar (database versions not stated): gnomAD exomes below 0.00001; ExAC 0.00002; TOPMed 0.00003; gnomAD 0.00005; ESP Exome Variant Server 0.00008; 1000 Genomes Project 30x 0.00016.

Submissions (6):

Ambry Genetics
Classification: Uncertain significance for Inborn genetic diseases. Last evaluated: 2024-10-24. Review status: criteria provided, single submitter. Criteria: Ambry Variant Classification Scheme 2023. Collection method: clinical testing. Allele origin: germline.

Blueprint Genetics
Classification: Uncertain significance. Last evaluated: 2024-04-15. Review status: criteria provided, single submitter. Criteria: ACMG Guidelines, 2015. Collection method: clinical testing. Allele origin: germline.

Fulgent Genetics
Classification: Uncertain significance for Short-rib thoracic dysplasia 10 with or without polydactyly; Retinitis pigmentosa 71; Bardet-Biedl syndrome 20. Last evaluated: 2024-01-30. Review status: criteria provided, single submitter. Criteria: ACMG Guidelines, 2015. Collection method: clinical testing. Allele origin: germline.

Labcorp Genetics (formerly Invitae), Labcorp
Classification: Uncertain significance for Retinitis pigmentosa 71; Short-rib thoracic dysplasia 10 with or without polydactyly. Last evaluated: 2022-05-19. Review status: criteria provided, single submitter. Criteria: Invitae Variant Classification Sherloc (09022015). Collection method: clinical testing. Allele origin: germline.
Comment: This sequence change replaces methionine, which is neutral and non-polar, with isoleucine, which is neutral and non-polar, at codon 1150 of the IFT172 protein (p.Met1150Ile). This variant is present in population databases (rs147411312, gnomAD 0.01%). This variant has not been reported in the literature in individuals affected with IFT172-related conditions. Algorithms developed to predict the effect of missense changes on protein structure and function (SIFT, PolyPhen-2, Align-GVGD) all suggest that this variant is likely to be tolerated. In summary, the available evidence is currently insufficient to determine the role of this variant in disease. Therefore, it has been classified as a Variant of Uncertain Significance.

New York Genome Center
Classification: Uncertain significance for Retinitis pigmentosa 71; Short-rib thoracic dysplasia 10 with or without polydactyly. Last evaluated: 2022-03-29. Review status: criteria provided, single submitter. Criteria: NYGC Assertion Criteria 2020. Collection method: clinical testing. Allele origin: germline. Observed: 1 heterozygote.

PreventionGenetics, part of Exact Sciences
Classification: Uncertain significance for IFT172-related condition. Last evaluated: 2024-04-24. Review status: no assertion criteria provided. Collection method: clinical testing. Allele origin: germline. Not counted in ClinVar's aggregate classification.
Comment: The IFT172 c.3450G>A variant is predicted to result in the amino acid substitution p.Met1150Ile. To our knowledge, this variant has not been reported in the literature. This variant is reported in 0.012% of alleles in individuals of African descent in gnomAD. At this time, the clinical significance of this variant is uncertain due to the absence of conclusive functional and genetic evidence.

NM_015662.3(IFT172):c.3450G>A (p.Met1150Ile)

Gene: IFT172 (intraflagellar transport 172; minus strand). Cytogenetic location: 2p23.3.
Variant type: single nucleotide variant.
Coding change: c.3450G>A on transcript NM_015662.3 (MANE Select); coding-DNA position 3450, G replaced by A.
Protein change: p.Met1150Ile; replaces methionine 1150 with isoleucine.
Molecular consequence: missense variant.
Genome position (GRCh38, 1-based): chr2:27,454,582, C>T on the plus strand (G>A on the coding strand, the complement: IFT172 is on the minus strand). VCF-style: chr2-27454582-C-T. GRCh37 (hg19) VCF-style: chr2-27677449-C-T.
Other names: c.3384G>A, p.Met1128Ile (NM_001410739.1); c.3450G>A (NM_015662.2, NM_015662.1); short protein forms M1128I, M1150I.
Identifiers: ClinVar variation 2167323 (VCV002167323.9), dbSNP rs147411312, ClinGen allele CA1579985.